The following is an entry in ClinVar:

NM_005359.6(SMAD4):c.932A>G (p.Gln311Arg)

Gene: SMAD4 (SMAD family member 4; plus strand). Cytogenetic location: 18q21.2.
Variant type: single nucleotide variant.
Coding change: c.932A>G on transcript NM_005359.6 (MANE Select); coding-DNA position 932, A replaced by G.
Protein change: p.Gln311Arg; replaces glutamine 311 with arginine.
Molecular consequence: missense variant.
Genome position (GRCh38, 1-based): chr18:51,059,893, A>G. VCF-style: chr18-51059893-A-G. GRCh37 (hg19) VCF-style: chr18-48586263-A-G.
Other names: short protein forms Q311R.
Identifiers: ClinVar variation 1041597 (VCV001041597.18), dbSNP rs1381679797, ClinGen allele CA402463694.
Genomic context (GRCh38, chr18:51,059,893, plus strand): 5'-ATAAAAATGGAATTTTTGTTGTCTTTTCTTTAGGGCCTGTTCACAATGAGCTTGCATTCC[A>G]GCCTCCCATTTCCAATCATCCTGGTAAGTGTATTTCAAAATTGATTTCCTGTATTTAGAT-3'
Protein context (NP_005350.1, residues 301-321): YWPVHNELAF[Gln311Arg]PPISNHPAPE

ClinVar aggregate classification (germline): Uncertain significance. Review status: criteria provided, multiple submitters, no conflicts (2 of 4 stars). 8 submissions from 8 submitters: Uncertain significance (8). Last evaluated 2026-08-11.

Conditions:
Hereditary cancer-predisposing syndrome. Also called: Tumor predisposition; Hereditary Cancer Syndrome; Hereditary neoplastic syndrome; Neoplastic Syndromes, Hereditary. Identifiers: Orphanet 140162, MedGen C0027672, MeSH D009386, MONDO:0015356.
Familial thoracic aortic aneurysm and aortic dissection (TAAD). Also called: Thoracic aortic aneurysms and dissections. Identifiers: Orphanet 91387, MedGen C4707243, MONDO:0019625.
Juvenile polyposis syndrome (JPS). Identifiers: Orphanet 2929, MedGen C0345893, MONDO:0017380, OMIM 174900.
Juvenile polyposis/hereditary hemorrhagic telangiectasia syndrome (JPHT). Also called: Juvenile Polyposis Syndrome / Hereditary Hemorrhagic Telangiectasia (JPS/HHT); POLYPOSIS, GENERALIZED JUVENILE, WITH PULMONARY ARTERIOVENOUS MALFORMATION; TELANGIECTASIA, HEREDITARY HEMORRHAGIC, WITH JUVENILE POLYPOSIS COLI; JP/HHT SYNDROME; JUVENILE POLYPOSIS WITH HEREDITARY HEMORRHAGIC TELANGIECTASIA. Identifiers: Orphanet 2929, MedGen C1832942, MONDO:0008278, OMIM 175050.

Allele frequency attached by ClinVar (database versions not stated): gnomAD 0.00001.
gnomAD v4.1: 1 of 1,612,974 alleles (0.000062%); highest among the groups gnomAD compares: Non-Finnish European, 0.000085%; no homozygotes.

Submissions (8):

Ambry Genetics
Classification: Uncertain significance for Hereditary cancer-predisposing syndrome; Familial thoracic aortic aneurysm and aortic dissection. Last evaluated: 2026-08-11. Review status: criteria provided, single submitter. Criteria: Ambry Variant Classification Scheme 2023. Collection method: clinical testing. Allele origin: germline.
Comment: The p.Q311R variant (also known as c.932A>G), located in coding exon 7 of the SMAD4 gene, results from an A to G substitution at nucleotide position 932. The glutamine at codon 311 is replaced by arginine, an amino acid with highly similar properties. This amino acid position is highly conserved in available vertebrate species. In addition, this alteration is predicted to be deleterious by in silico analysis. Based on the available evidence, the clinical significance of this variant remains unclear.

Center for Genomic Medicine, Rigshospitalet, Copenhagen University Hospital
Classification: Uncertain significance. Last evaluated: 2025-12-29. Review status: criteria provided, single submitter. Criteria: ACMG Guidelines, 2015. Collection method: clinical testing. Allele origin: germline.

Labcorp Genetics (formerly Invitae), Labcorp
Classification: Uncertain significance for Juvenile polyposis syndrome. Last evaluated: 2025-03-03. Review status: criteria provided, single submitter. Criteria: Invitae Variant Classification Sherloc (09022015). Collection method: clinical testing. Allele origin: germline.
Comment: This sequence change replaces glutamine, which is neutral and polar, with arginine, which is basic and polar, at codon 311 of the SMAD4 protein (p.Gln311Arg). This variant is present in population databases (no rsID available, gnomAD 0.007%). This variant has not been reported in the literature in individuals affected with SMAD4-related conditions. ClinVar contains an entry for this variant (Variation ID: 1041597). Invitae Evidence Modeling of protein sequence and biophysical properties (such as structural, functional, and spatial information, amino acid conservation, physicochemical variation, residue mobility, and thermodynamic stability) has been performed for this missense variant. However, the output from this modeling did not meet the statistical confidence thresholds required to predict the impact of this variant on SMAD4 protein function. In summary, the available evidence is currently insufficient to determine the role of this variant in disease. Therefore, it has been classified as a Variant of Uncertain Significance.

All of Us Research Program, National Institutes of Health
Classification: Uncertain significance for Juvenile polyposis/hereditary hemorrhagic telangiectasia syndrome. Last evaluated: 2024-05-14. Review status: criteria provided, single submitter. Criteria: ACMG Guidelines, 2015. Collection method: clinical testing. Allele origin: germline. Inheritance: Autosomal dominant inheritance. Observed: 3 variant alleles, 3 heterozygotes.
Comment: This missense variant replaces glutamine with arginine at codon 311 of the SMAD4 protein. Computational prediction is inconclusive regarding the impact of this variant on protein structure and function (internally defined REVEL score threshold 0.5 < inconclusive < 0.7, PMID: 27666373). To our knowledge, functional studies have not been reported for this variant. This variant has not been reported in individuals affected with SMAD4-related disorders in the literature. This variant has been identified in 1/31398 chromosomes in the general population by the Genome Aggregation Database (gnomAD). The available evidence is insufficient to determine the role of this variant in disease conclusively. Therefore, this variant is classified as a Variant of Uncertain Significance.

This study involves interpretation of variants in research participants for the purpose of population health screening. Participant phenotype was not available at the time of variant classification. Additional details can be found in publication PMID: 35346344, PMCID: PMC8962531

Baylor Genetics
Classification: Uncertain significance for Juvenile polyposis/hereditary hemorrhagic telangiectasia syndrome. Last evaluated: 2023-12-28. Review status: criteria provided, single submitter. Criteria: ACMG Guidelines, 2015. Collection method: clinical testing. Allele origin: unknown.

GeneDx
Classification: Uncertain significance. Last evaluated: 2023-10-25. Review status: criteria provided, single submitter. Criteria: GeneDx Variant Classification Process June 2021. Collection method: clinical testing. Allele origin: germline. Affected: yes.
Comment: Not observed at significant frequency in large population cohorts (gnomAD); In silico analysis supports that this missense variant does not alter protein structure/function; Has not been previously published as pathogenic or benign to our knowledge; This variant is associated with the following publications: (PMID: 10636916)

Color Diagnostics, LLC DBA Color Health
Classification: Uncertain significance for Hereditary cancer-predisposing syndrome. Last evaluated: 2023-08-16. Review status: criteria provided, single submitter. Criteria: ACMG Guidelines, 2015. Collection method: clinical testing. Allele origin: germline.
Comment: This missense variant replaces glutamine with arginine at codon 311 of the SMAD4 protein. Computational prediction is inconclusive regarding the impact of this variant on protein structure and function (internally defined REVEL score threshold 0.5 < inconclusive < 0.7, PMID: 27666373). To our knowledge, functional studies have not been reported for this variant. This variant has not been reported in individuals affected with SMAD4-related disorders in the literature. This variant has been identified in 1/31398 chromosomes in the general population by the Genome Aggregation Database (gnomAD). The available evidence is insufficient to determine the role of this variant in disease conclusively. Therefore, this variant is classified as a Variant of Uncertain Significance.

Sema4
Classification: Uncertain significance for Hereditary cancer-predisposing syndrome. Last evaluated: 2021-05-07. Review status: criteria provided, single submitter. Criteria: Sema4 Curation Guidelines. Collection method: curation. Allele origin: germline.
Comment: The SMAD4 c.932A>G (p.Q311R) variant has not been reported in the literature to our knowledge. It was observed in 1/15428 chromosomes of the Non-Finnish European subpopulation in the large and broad cohorts of the Genome Aggregation Database. The variant has been reported in ClinVar (Variation ID 1041597). Computational analyses and evolutionary conservation data do not provide strong support for or against an impact to the protein, however these predictions have not been confirmed by published functional studies. The evidence is insufficient to meet ACMG/AMP criteria for classifying the variant as benign or pathogenic. Thus, the clinical significance of this variant is currently uncertain.